The following is an entry in ClinVar:

ClinVar aggregate classification (germline): Conflicting classifications of pathogenicity. Review status: criteria provided, conflicting classifications (1 of 4 stars). 2 submissions from 2 submitters: Likely pathogenic (1); Uncertain significance (1). Last evaluated 2024-03-28.

Conditions:
Autosomal dominant nonsyndromic hearing loss 13. Identifiers: Orphanet 90635, MedGen C1866095, MONDO:0011159, OMIM 601868.
Autosomal recessive nonsyndromic hearing loss 53. Identifiers: Orphanet 90636, MedGen C1864746, MONDO:0012333, OMIM 609706.
Otospondylomegaepiphyseal dysplasia, autosomal dominant (OSMEDA). Also called: Stickler syndrome, type 3; Pierre Robin syndrome with fetal chondrodysplasia; COL11A2-Related Stickler Syndrome. Identifiers: Orphanet 166100, Orphanet 3450, MedGen C1848488, MONDO:0008490, OMIM 184840.
Otospondylomegaepiphyseal dysplasia, autosomal recessive (OSMEDB). Also called: Insley-Astley syndrome; CHONDRODYSTROPHY WITH SENSORINEURAL DEAFNESS. Identifiers: Orphanet 1427, MedGen CN034493, MONDO:0044206, OMIM 215150.
Fibrochondrogenesis 2 (FBCG2). Identifiers: Orphanet 2021, MedGen C3281128, MONDO:0013795, OMIM 614524.

Submissions (2):

Women's Health and Genetics/Laboratory Corporation of America, LabCorp
Classification: Uncertain significance. Last evaluated: 2024-03-28. Review status: criteria provided, single submitter. Criteria: LabCorp Variant Classification Summary - May 2015. Collection method: clinical testing. Allele origin: germline.
Comment: Variant summary: COL11A2 c.4142G>A (p.Gly1381Glu) results in a non-conservative amino acid change in the encoded protein sequence. Five of five in-silico tools predict a damaging effect of the variant on protein function. The variant was absent in 247168 control chromosomes. The available data on variant occurrences in the general population are insufficient to allow any conclusion about variant significance. To our knowledge, no occurrence of c.4142G>A in individuals affected with COL11A2-Related Disorders and no experimental evidence demonstrating its impact on protein function have been reported. No submitters have cited clinical-significance assessments for this variant to ClinVar. Based on the evidence outlined above, the variant was classified as uncertain significance.

Fulgent Genetics
Classification: Likely pathogenic for Otospondylomegaepiphyseal dysplasia, autosomal dominant; Otospondylomegaepiphyseal dysplasia, autosomal recessive; Autosomal dominant nonsyndromic hearing loss 13; Autosomal recessive nonsyndromic hearing loss 53; Fibrochondrogenesis 2. Last evaluated: 2024-03-25. Review status: criteria provided, single submitter. Criteria: ACMG Guidelines, 2015. Collection method: clinical testing. Allele origin: germline.

NM_080680.3(COL11A2):c.4142G>A (p.Gly1381Glu)

Gene: COL11A2 (collagen type XI alpha 2 chain; minus strand). Cytogenetic location: 6p21.32.
Variant type: single nucleotide variant.
Coding change: c.4142G>A on transcript NM_080680.3 (MANE Select); coding-DNA position 4142, G replaced by A.
Protein change: p.Gly1381Glu; replaces glycine 1381 with glutamic acid.
Molecular consequence: missense variant.
Genome position (GRCh38, 1-based): chr6:33,167,298, C>T on the plus strand (G>A on the coding strand, the complement: COL11A2 is on the minus strand). VCF-style: chr6-33167298-C-T. GRCh37 (hg19) VCF-style: chr6-33135075-C-T.
Other names: c.3962G>A, p.Gly1321Glu (NM_001424108.1); c.3296G>A, p.Gly1099Glu (NM_001424109.1); c.3116G>A, p.Gly1039Glu (NM_001424110.1, NM_001424111.1); c.2096G>A, p.Gly699Glu (NM_001424112.1); c.3821G>A, p.Gly1274Glu (NM_080679.3); c.3884G>A, p.Gly1295Glu (NM_080681.3); short protein forms G1039E, G1099E, G1274E, G1295E, G1321E, G1381E, G699E.
Identifiers: ClinVar variation 3233727 (VCV003233727.3), dbSNP rs2534568745, ClinGen allele CA363622651.